The following is an entry in ClinVar:

ClinVar aggregate classification (germline): Uncertain significance. Review status: criteria provided, multiple submitters, no conflicts (2 of 4 stars). 2 submissions from 2 submitters: Uncertain significance (2). Last evaluated 2021-07-21.

Conditions:
Gillessen-Kaesbach-Nishimura syndrome (GIKANIS). Identifiers: MedGen C1849762, MONDO:0009890, OMIM 263210.
ALG9 congenital disorder of glycosylation (CDG1L). Also called: CDG Il; CONGENITAL DISORDER OF GLYCOSYLATION, TYPE Il; ALG9-CDG. Identifiers: Orphanet 79328, MedGen C2931006, MONDO:0012117, OMIM 608776.

Allele frequency attached by ClinVar (database versions not stated): gnomAD exomes below 0.00001 and 0.00001; gnomAD 0.00001 and 0.00003; ExAC 0.00002; TOPMed 0.00002; 1000 Genomes Project 30x 0.00031; 1000 Genomes Project 0.00040.

Submissions (2):

Fulgent Genetics
Classification: Uncertain significance for Gillessen-Kaesbach-Nishimura syndrome; ALG9 congenital disorder of glycosylation. Last evaluated: 2021-07-21. Review status: criteria provided, single submitter. Criteria: ACMG Guidelines, 2015. Collection method: clinical testing. Allele origin: unknown.

New York Genome Center
Classification: Uncertain significance for ALG9 congenital disorder of glycosylation. Last evaluated: 2020-04-30. Review status: criteria provided, single submitter. Criteria: NYGC Assertion Criteria 2020. Collection method: clinical testing. Allele origin: germline. Observed: 1 heterozygote. Study: CSER-NYCKidSeq.
Comment: The heterozygous p.Phe330Tyr variant identified in ALG9 has not been reported in affected individuals in the literature. The variant has 0.00001202 allele frequency in the gnomAD database (3 out of 249,488 heterozygous alleles) indicating that it is an extremely rare allele in the general population. The variant affects an evolutionarily conserved residue and is predicted deleterious by a variety of in silico prediction tools. However, functional studies are required to evaluate the potential consequences of this variant on normal functioning of the enzyme. Based on the available evidence, the p.Phe330Tyr variant in the ALG9 gene is accessed as a variant of uncertain significance.

NM_024740.2(ALG9):c.1502T>A (p.Phe501Tyr)

Gene: ALG9 (ALG9 alpha-1,2-mannosyltransferase; minus strand). Cytogenetic location: 11q23.1.
Variant type: single nucleotide variant.
Coding change: c.1502T>A on transcript NM_024740.2 (MANE Select); coding-DNA position 1502, T replaced by A.
Protein change: p.Phe501Tyr; replaces phenylalanine 501 with tyrosine.
Molecular consequence: missense variant. On other transcripts: non-coding transcript variant (1).
Genome position (GRCh38, 1-based): chr11:111,836,265, A>T on the plus strand (T>A on the coding strand, the complement: ALG9 is on the minus strand). VCF-style: chr11-111836265-A-T. GRCh37 (hg19) VCF-style: chr11-111706988-A-T.
Other names: c.1481T>A, p.Phe494Tyr (NM_001077690.1, NM_001352417.1); c.989T>A, p.Phe330Tyr (NM_001077691.2, NM_001352413.1, NM_001352414.2 and 1 more transcripts); c.968T>A, p.Phe323Tyr (NM_001077692.2, NM_001352409.1, NM_001352410.1 and 6 more transcripts); c.1358T>A, p.Phe453Tyr (NM_001352418.1); c.893T>A, p.Phe298Tyr (NM_001352422.2); c.845T>A, p.Phe282Tyr (NM_001352423.2); short protein forms F282Y, F298Y, F323Y, F330Y, F453Y, F494Y, F501Y.
Identifiers: ClinVar variation 1325628 (VCV001325628.2), dbSNP rs541537158, ClinGen allele CA6274401.